The following is an entry in ClinVar:

ClinVar aggregate classification (germline): Conflicting classifications of pathogenicity. Review status: criteria provided, conflicting classifications (1 of 4 stars). 4 submissions from 4 submitters: Uncertain significance (2); Likely benign (2). Last evaluated 2025-03-10.

Conditions:
Inborn genetic diseases. Identifiers: MedGen C0950123, MeSH D030342.

Allele frequency attached by ClinVar (database versions not stated): gnomAD 0.00001; gnomAD exomes 0.00001 and 0.00006; TOPMed 0.00001; ExAC 0.00007.
gnomAD v4.1: 24 of 1,613,660 alleles (0.0015%); highest among the groups gnomAD compares: Admixed American, 0.022%; no homozygotes.

Submissions (4):

Ambry Genetics
Classification: Likely benign for Inborn genetic diseases. Last evaluated: 2025-03-10. Review status: criteria provided, single submitter. Criteria: Ambry Variant Classification Scheme 2023. Collection method: clinical testing. Allele origin: germline.

Labcorp Genetics (formerly Invitae), Labcorp
Classification: Likely benign. Last evaluated: 2024-10-31. Review status: criteria provided, single submitter. Criteria: Invitae Variant Classification Sherloc (09022015). Collection method: clinical testing. Allele origin: germline.

Revvity Omics, Revvity
Classification: Uncertain significance. Last evaluated: 2024-08-09. Review status: criteria provided, single submitter. Criteria: ACMG Guidelines, 2015. Collection method: clinical testing. Allele origin: germline.

CeGaT Center for Human Genetics Tuebingen
Classification: Uncertain significance. Last evaluated: 2023-02-01. Review status: criteria provided, single submitter. Criteria: CeGaT Center For Human Genetics Tuebingen Variant Classification Criteria Version 2. Collection method: clinical testing. Allele origin: germline. Affected: yes. Observed: 1 variant allele.
Comment: COL4A1: PM5:Supporting, PP3

NM_001845.6(COL4A1):c.4796C>T (p.Ala1599Val)

Gene: COL4A1 (collagen type IV alpha 1 chain; minus strand). Cytogenetic location: 13q34.
Variant type: single nucleotide variant.
Coding change: c.4796C>T on transcript NM_001845.6 (MANE Select); coding-DNA position 4796, C replaced by T.
Protein change: p.Ala1599Val; replaces alanine 1599 with valine.
Molecular consequence: missense variant.
Genome position (GRCh38, 1-based): chr13:110,152,466, G>A on the plus strand (C>T on the coding strand, the complement: COL4A1 is on the minus strand). VCF-style: chr13-110152466-G-A. GRCh37 (hg19) VCF-style: chr13-110804813-G-A.
Other names: c.4796C>T (NM_001845.4); short protein forms A1599V.
Identifiers: ClinVar variation 1633833 (VCV001633833.38), dbSNP rs766472965, ClinGen allele CA7046799.
Genomic context (GRCh38, chr13:110,152,466, plus strand): 5'-CGGCCGTGACACTCGATGAATGGCGCACTTCTAAACTCCTCCAGGCAGGAGCCGGGGGAC[G>A]CCAGGGCTTGGCCAGAGCCTTCTGCACCAGCGCTGGTGTGCTGCAGAACAGATGCGAGCC-3'
Protein context (NP_001836.3, residues 1589-1609): AGAEGSGQAL[Ala1599Val]SPGSCLEEFR